The following is an entry in ClinVar:

NM_004304.5(ALK):c.3202G>A (p.Ala1068Thr)

Gene: ALK (ALK receptor tyrosine kinase; minus strand). Cytogenetic location: 2p23.2.
Variant type: single nucleotide variant.
Coding change: c.3202G>A on transcript NM_004304.5 (MANE Select); coding-DNA position 3202, G replaced by A.
Protein change: p.Ala1068Thr; replaces alanine 1068 with threonine.
Molecular consequence: missense variant. On other transcripts: 5 prime UTR variant (1).
Genome position (GRCh38, 1-based): chr2:29,223,499, C>T on the plus strand (G>A on the coding strand, the complement: ALK is on the minus strand). VCF-style: chr2-29223499-C-T. GRCh37 (hg19) VCF-style: chr2-29446365-C-T.
Other names: c.-3G>A (NM_001353765.2); short protein forms A1068T.
Identifiers: ClinVar variation 3525281 (VCV003525281.1).

ClinVar aggregate classification (germline): Uncertain significance (1 of 4 stars; one submission).

Conditions:
Hereditary cancer-predisposing syndrome. Also called: Hereditary Cancer Syndrome; Hereditary neoplastic syndrome; Tumor predisposition; Neoplastic Syndromes, Hereditary. Identifiers: Orphanet 140162, MedGen C0027672, MeSH D009386, MONDO:0015356.

Submission:

Ambry Genetics
Classification: Uncertain significance for Hereditary cancer-predisposing syndrome. Last evaluated: 2024-11-26. Review status: criteria provided, single submitter. Criteria: Ambry Variant Classification Scheme 2023. Collection method: clinical testing. Allele origin: germline.
Comment: The p.A1068T variant (also known as c.3202G>A), located in coding exon 20 of the ALK gene, results from a G to A substitution at nucleotide position 3202. The alanine at codon 1068 is replaced by threonine, an amino acid with similar properties. This amino acid position is conserved. In addition, this alteration is predicted to be tolerated by in silico analysis. Based on the available evidence, the clinical significance of this variant remains unclear.